The following is an entry in ClinVar:

ClinVar aggregate classification (germline): Uncertain significance (1 of 4 stars; one submission).

Conditions:
NFE2L2-related disorder. Also called: NFE2L2-related condition.

Submission:

PreventionGenetics, part of Exact Sciences
Classification: Uncertain significance for NFE2L2-related condition. Last evaluated: 2023-01-06. Review status: criteria provided, single submitter. Criteria: ACMG Guidelines, 2015. Collection method: clinical testing. Allele origin: germline.
Comment: The NFE2L2 c.1765G>A variant is predicted to result in the amino acid substitution p.Gly589Ser. To our knowledge, this variant has not been reported in the literature or in a large population database, indicating this variant is rare. At this time, the clinical significance of this variant is uncertain due to the absence of conclusive functional and genetic evidence.

NM_006164.5(NFE2L2):c.1765G>A (p.Gly589Ser)

Gene: NFE2L2 (NFE2 like bZIP transcription factor 2; minus strand). Cytogenetic location: 2q31.2.
Variant type: single nucleotide variant.
Coding change: c.1765G>A on transcript NM_006164.5 (MANE Select); coding-DNA position 1765, G replaced by A.
Protein change: p.Gly589Ser; replaces glycine 589 with serine.
Molecular consequence: missense variant.
Genome position (GRCh38, 1-based): chr2:177,230,838, C>T on the plus strand (G>A on the coding strand, the complement: NFE2L2 is on the minus strand). VCF-style: chr2-177230838-C-T. GRCh37 (hg19) VCF-style: chr2-178095566-C-T.
Other names: c.1717G>A, p.Gly573Ser (NM_001145412.3, NM_001313900.1, NM_001313901.1); c.1696G>A, p.Gly566Ser (NM_001145413.3); c.1675G>A, p.Gly559Ser (NM_001313902.2); c.1546G>A, p.Gly516Ser (NM_001313903.2); c.1465G>A, p.Gly489Ser (NM_001313904.1); short protein forms G489S, G516S, G559S, G566S, G573S, G589S.
Identifiers: ClinVar variation 2630074 (VCV002630074.1), dbSNP rs2468282633, ClinGen allele CA349365752.